The following is an entry in ClinVar:

NM_018685.5(ANLN):c.1976G>A (p.Gly659Asp)

Gene: ANLN (anillin, actin binding protein; plus strand). Cytogenetic location: 7p14.2.
Variant type: single nucleotide variant.
Coding change: c.1976G>A on transcript NM_018685.5 (MANE Select); coding-DNA position 1976, G replaced by A.
Protein change: p.Gly659Asp; replaces glycine 659 with aspartic acid.
Molecular consequence: missense variant.
Genome position (GRCh38, 1-based): chr7:36,420,275, G>A. VCF-style: chr7-36420275-G-A. GRCh37 (hg19) VCF-style: chr7-36459884-G-A.
Other names: c.1865G>A, p.Gly622Asp (NM_001284301.3); c.1862G>A, p.Gly621Asp (NM_001284302.3); short protein forms G621D, G622D, G659D.
Identifiers: ClinVar variation 5009189 (VCV005009189.1).
Genomic context (GRCh38, chr7:36,420,275, plus strand): 5'-GTGATGAAAGTCCAAAACCAGGAAAATTCCAAAGAACTCGTGTCCCTCGAGCTGAATCTG[G>A]TGATAGCCTTGGTTCTGAAGATCGTGATCTTCTTTACAGGTAAGAACATTTCTGGAAGGC-3'
Protein context (NP_061155.2, residues 649-669): QRTRVPRAES[Gly659Asp]DSLGSEDRDL

ClinVar aggregate classification (germline): Uncertain significance (1 of 4 stars; one submission).

gnomAD v4.1: 1 of 1,614,102 alleles (0.000062%); highest among the groups gnomAD compares: South Asian, 0.0011%; no homozygotes.

Submission:

GeneDx
Classification: Uncertain significance. Last evaluated: 2026-03-17. Review status: criteria provided, single submitter. Criteria: GeneDx Variant Classification Process June 2021. Collection method: clinical testing. Allele origin: germline.
Comment: Not observed at significant frequency in large population cohorts (gnomAD); In silico analysis suggests that this missense variant does not alter protein structure/function; Has not been previously published as pathogenic or benign to our knowledge